The following is an entry in ClinVar:

ClinVar aggregate classification (germline): Uncertain significance. Review status: criteria provided, multiple submitters, no conflicts (2 of 4 stars). 4 submissions from 4 submitters: Uncertain significance (4). Last evaluated 2025-04-24.

Conditions:
Familial adenomatous polyposis 1 (FAP1). Also called: POLYPOSIS, ADENOMATOUS INTESTINAL; FAMILIAL ADENOMATOUS POLYPOSIS 1, ATTENUATED. Identifiers: MedGen C2713442, MONDO:0021056, OMIM 175100. Disease mechanism: loss of function.
Hereditary cancer-predisposing syndrome. Also called: Tumor predisposition; Hereditary neoplastic syndrome; Neoplastic Syndromes, Hereditary; Hereditary Cancer Syndrome. Identifiers: Orphanet 140162, MedGen C0027672, MeSH D009386, MONDO:0015356.

Submissions (4):

GeneDx
Classification: Uncertain significance. Last evaluated: 2025-04-24. Review status: criteria provided, single submitter. Criteria: GeneDx Variant Classification Process June 2021. Collection method: clinical testing. Allele origin: germline. Affected: yes.
Comment: Not observed at significant frequency in large population cohorts (gnomAD); In silico analysis indicates that this missense variant does not alter protein structure/function; Has not been previously published as pathogenic or benign to our knowledge

Ambry Genetics
Classification: Uncertain significance for Hereditary cancer-predisposing syndrome. Last evaluated: 2024-07-09. Review status: criteria provided, single submitter. Criteria: Ambry Variant Classification Scheme 2023. Collection method: clinical testing. Allele origin: germline.
Comment: The p.M314I variant (also known as c.942G>T), located in coding exon 9 of the APC gene, results from a G to T substitution at nucleotide position 942. The methionine at codon 314 is replaced by isoleucine, an amino acid with highly similar properties. This amino acid position is highly conserved in available vertebrate species. In addition, in silico predictors for this gene do not accurately predict pathogenicity. Since supporting evidence is limited at this time, the clinical significance of this alteration remains unclear.

Labcorp Genetics (formerly Invitae), Labcorp
Classification: Uncertain significance for Familial adenomatous polyposis 1. Last evaluated: 2023-05-07. Review status: criteria provided, single submitter. Criteria: Invitae Variant Classification Sherloc (09022015). Collection method: clinical testing. Allele origin: germline.
Comment: In summary, the available evidence is currently insufficient to determine the role of this variant in disease. Therefore, it has been classified as a Variant of Uncertain Significance. Advanced modeling of protein sequence and biophysical properties (such as structural, functional, and spatial information, amino acid conservation, physicochemical variation, residue mobility, and thermodynamic stability) performed at Invitae indicates that this missense variant is not expected to disrupt APC protein function. ClinVar contains an entry for this variant (Variation ID: 517186). This variant has not been reported in the literature in individuals affected with APC-related conditions. This variant is not present in population databases (gnomAD no frequency). This sequence change replaces methionine, which is neutral and non-polar, with isoleucine, which is neutral and non-polar, at codon 314 of the APC protein (p.Met314Ile).

Laboratory for Molecular Medicine, Mass General Brigham Personalized Medicine
Classification: Uncertain significance. Last evaluated: 2016-12-08. Review status: criteria provided, single submitter. Criteria: LMM Criteria. Collection method: clinical testing. Allele origin: germline. Observed: 1 variant allele.
Comment: The p.Met314Ile variant in APC has not been previously reported in individuals w ith APC-associated polyposis or in large population studies. Computational predi ction tools and conservation analysis do not provide strong support for or again st an impact to the protein. In summary, the clinical significance of the p.Met3 14Ile variant is uncertain.

NM_000038.6(APC):c.942G>T (p.Met314Ile)

Gene: APC (APC regulator of Wnt signaling pathway; plus strand). Cytogenetic location: 5q22.2.
Variant type: single nucleotide variant.
Coding change: c.942G>T on transcript NM_000038.6 (MANE Select); coding-DNA position 942, G replaced by T.
Protein change: p.Met314Ile; replaces methionine 314 with isoleucine.
Molecular consequence: missense variant. On other transcripts: intron variant (4).
Genome position (GRCh38, 1-based): chr5:112,818,974, G>T. VCF-style: chr5-112818974-G-T. GRCh37 (hg19) VCF-style: chr5-112154671-G-T.
Other names: c.942G>T, p.Met314Ile (NM_001127510.3, NM_001354895.2, NM_001354896.2); c.888G>T, p.Met296Ile (NM_001127511.3); c.972G>T, p.Met324Ile (NM_001354897.2); c.867G>T, p.Met289Ile (NM_001354898.2); c.858G>T, p.Met286Ile (NM_001354899.2); c.765G>T, p.Met255Ile (NM_001354900.2, NM_001354901.2); c.93G>T, p.Met31Ile (NM_001354906.2); c.964-295G>T (NM_001354902.2); and 3 more; short protein forms M296I, M314I, M255I, M286I, M324I, M289I, M31I.
Identifiers: ClinVar variation 517186 (VCV000517186.22), dbSNP rs1350080370, ClinGen allele CA16023373.